The following is an entry in ClinVar:

ClinVar aggregate classification (germline): Likely benign. Review status: criteria provided, multiple submitters, no conflicts (2 of 4 stars). 2 submissions from 2 submitters: Likely benign (2). Last evaluated 2025-10-09.

Conditions:
Cardiovascular phenotype. Identifiers: MedGen CN230736.

gnomAD v4.1: 8 of 1,614,092 alleles (0.0005%); highest among the groups gnomAD compares: East Asian, 0.018%; no homozygotes.

Submissions (2):

Ambry Genetics
Classification: Likely benign for Cardiovascular phenotype. Last evaluated: 2025-10-09. Review status: criteria provided, single submitter. Criteria: Ambry Variant Classification Scheme 2023. Collection method: clinical testing. Allele origin: germline.

GeneDx
Classification: Likely benign. Last evaluated: 2017-08-10. Review status: criteria provided, single submitter. Criteria: GeneDx Variant Classification (06012015). Collection method: clinical testing. Allele origin: germline. Affected: yes.
Comment: This variant is considered likely benign or benign based on one or more of the following criteria: it is a conservative change, it occurs at a poorly conserved position in the protein, it is predicted to be benign by multiple in silico algorithms, and/or has population frequency not consistent with disease.

NM_001114753.3(ENG):c.1425G>T (p.Val475=)

Genes: ENG (endoglin; minus strand), LOC102723566 (uncharacterized LOC102723566; plus strand). Cytogenetic location: 9q34.11.
Variant type: single nucleotide variant.
Coding change: c.1425G>T on transcript NM_001114753.3 (MANE Select); coding-DNA position 1425, G replaced by T.
Protein change: p.Val475=; no amino-acid change (valine 475 retained).
Molecular consequence: synonymous variant.
Genome position (GRCh38, 1-based): chr9:127,818,719, C>A on the plus strand (G>T on the coding strand, the complement: ENG is on the minus strand). VCF-style: chr9-127818719-C-A. GRCh37 (hg19) VCF-style: chr9-130580998-C-A.
Other names: c.1425G>T, p.Val475= (NM_000118.4); c.879G>T, p.Val293= (NM_001278138.2); c.1425G>T (NM_001114753.1).
Identifiers: ClinVar variation 511331 (VCV000511331.4), dbSNP rs1554809328, ClinGen allele CA467226553.
Genomic context (GRCh38, chr9:127,818,719, plus strand): 5'-GCGGAGAGGAAGTTCCAGGAGCTGGGAGGCCCGAGGGGTGACAGGCATGCCAGGTACCTG[C>A]ACAAAGCTCTGCTGCCCCGGCTCGATGGTGTTGGAGGCCTGGAGGAAGTGTGGGCTGAGG-3'
Protein context (NP_001108225.1, residues 465-485): NTIEPGQQSF[Val475=]QVRVSPSVSE